The following is an entry in ClinVar:

NM_003482.4(KMT2D):c.15947del (p.Asn5316fs)

Gene: KMT2D (lysine methyltransferase 2D; minus strand). Cytogenetic location: 12q13.12.
Variant type: Deletion.
Coding change: c.15947del on transcript NM_003482.4 (MANE Select); coding-DNA position 15947, one base deleted (A; older notation c.15947delA).
Protein change: p.Asn5316fs; shifts the reading frame from asparagine 5316.
Molecular consequence: frameshift variant.
Genome position (GRCh38, 1-based): chr12:49,024,683, T deleted on the plus strand (A on the coding strand, the reverse complement: KMT2D is on the minus strand); the first of 4 consecutive T bases (chr12:49,024,683-49,024,686); deleting any one gives the same sequence. VCF-style (leftmost placement, unchanged base first): chr12-49024682-GT-G. GRCh37 (hg19) VCF-style: chr12-49418465-GT-G.
Other names: c.15947delA (NM_003482.3); short protein forms N5316fs.
Identifiers: ClinVar variation 2631712 (VCV002631712.1), dbSNP rs2499030677, ClinGen allele CA2695199078.

ClinVar aggregate classification (germline): Likely pathogenic (1 of 4 stars; one submission).

Conditions:
KMT2D-related disorder. Also called: KMT2D-Related Disorders.

Submission:

PreventionGenetics, part of Exact Sciences
Classification: Likely pathogenic for KMT2D-related condition. Last evaluated: 2023-09-14. Review status: criteria provided, single submitter. Criteria: ACMG Guidelines, 2015. Collection method: clinical testing. Allele origin: germline.
Comment: The KMT2D c.15947delA variant is predicted to result in a frameshift and premature protein termination (p.Asn5316Thrfs*17). To our knowledge, this variant has not been reported in the literature or in a large population database, indicating this variant is rare. Frameshift variants in KMT2D are expected to be pathogenic. This variant is interpreted as likely pathogenic.